The following is an entry in ClinVar:

ClinVar aggregate classification (germline): Pathogenic (1 of 4 stars; one submission).

Conditions:
Mucolipidosis type II. Also called: ML II ALPHA/BETA; Mucolipidosis 2; ML 2; Inclusion cell disease; Leroy Disease; N-acetylglucosamine 1phosphotransferase deficiency. Identifiers: Orphanet 576, MedGen C2673377, MONDO:0009650, OMIM 252500.
Pseudo-Hurler polydystrophy. Also called: ML III; ML III ALPHA/BETA; Type III Mucolipidosis; ML IIIA; Mucolipidosis III Alpha/Beta; MUCOLIPIDOSIS IIIA. Identifiers: Orphanet 423461, Orphanet 577, MedGen C0033788, MONDO:0018931, OMIM 252600.

Submission:

Labcorp Genetics (formerly Invitae), Labcorp
Classification: Pathogenic for Pseudo-Hurler polydystrophy; Mucolipidosis type II. Last evaluated: 2023-12-04. Review status: criteria provided, single submitter. Criteria: Invitae Variant Classification Sherloc (09022015). Collection method: clinical testing. Allele origin: germline.
Comment: This sequence change creates a premature translational stop signal (p.Leu762Trpfs*18) in the GNPTAB gene. It is expected to result in an absent or disrupted protein product. Loss-of-function variants in GNPTAB are known to be pathogenic (PMID: 19617216, 25107912). This variant is not present in population databases (gnomAD no frequency). This variant has not been reported in the literature in individuals affected with GNPTAB-related conditions. For these reasons, this variant has been classified as Pathogenic.

Literature cited by the submitters: PubMed 19617216; PubMed 25107912.

NM_024312.5(GNPTAB):c.2285del (p.Leu762fs)

Gene: GNPTAB (N-acetylglucosamine-1-phosphate transferase subunits alpha and beta; minus strand). Cytogenetic location: 12q23.2.
Variant type: Deletion.
Coding change: c.2285del on transcript NM_024312.5 (MANE Select); coding-DNA position 2285, one base deleted (T; older notation c.2285delT).
Protein change: p.Leu762fs; shifts the reading frame from leucine 762.
Molecular consequence: frameshift variant.
Genome position (GRCh38, 1-based): chr12:101,764,632, A deleted on the plus strand (T on the coding strand, the reverse complement: GNPTAB is on the minus strand); the first of 3 consecutive A bases (chr12:101,764,632-101,764,634); deleting any one gives the same sequence. VCF-style (leftmost placement, unchanged base first): chr12-101764631-CA-C. GRCh37 (hg19) VCF-style: chr12-102158409-CA-C.
Other names: short protein forms L762fs.
Identifiers: ClinVar variation 2954423 (VCV002954423.3), dbSNP rs2547957106, ClinGen allele CA2740092571.